The following is an entry in ClinVar:

ClinVar aggregate classification (germline): Uncertain significance. Review status: criteria provided, multiple submitters, no conflicts (2 of 4 stars). 2 submissions from 2 submitters: Uncertain significance (2). Last evaluated 2024-08-05.

gnomAD v4.1: 45 of 1,614,030 alleles (0.0028%); highest among the groups gnomAD compares: Admixed American, 0.022%; no homozygotes.

Submissions (2):

Ambry Genetics
Classification: Uncertain significance. Last evaluated: 2024-08-05. Review status: criteria provided, single submitter. Criteria: Ambry Variant Classification Scheme 2023. Collection method: clinical testing. Allele origin: germline.

Labcorp Genetics (formerly Invitae), Labcorp
Classification: Uncertain significance. Last evaluated: 2024-05-29. Review status: criteria provided, single submitter. Criteria: Invitae Variant Classification Sherloc (09022015). Collection method: clinical testing. Allele origin: germline.
Comment: This sequence change replaces arginine, which is basic and polar, with leucine, which is neutral and non-polar, at codon 413 of the FBN3 protein (p.Arg413Leu). This variant is present in population databases (rs116520950, gnomAD 0.03%). This variant has not been reported in the literature in individuals affected with FBN3-related conditions. Advanced modeling of protein sequence and biophysical properties (such as structural, functional, and spatial information, amino acid conservation, physicochemical variation, residue mobility, and thermodynamic stability) performed at Invitae indicates that this missense variant is not expected to disrupt FBN3 protein function with a negative predictive value of 80%. In summary, the available evidence is currently insufficient to determine the role of this variant in disease. Therefore, it has been classified as a Variant of Uncertain Significance.

NM_032447.5(FBN3):c.1238G>T (p.Arg413Leu)

Gene: FBN3 (fibrillin 3; minus strand). Cytogenetic location: 19p13.2.
Variant type: single nucleotide variant.
Coding change: c.1238G>T on transcript NM_032447.5 (MANE Select); coding-DNA position 1238, G replaced by T.
Protein change: p.Arg413Leu; replaces arginine 413 with leucine.
Molecular consequence: missense variant.
Genome position (GRCh38, 1-based): chr19:8,136,495, C>A on the plus strand (G>T on the coding strand, the complement: FBN3 is on the minus strand). VCF-style: chr19-8136495-C-A. GRCh37 (hg19) VCF-style: chr19-8201379-C-A.
Other names: c.1238G>T, p.Arg413Leu (NM_001321431.2); short protein forms R413L.
Identifiers: ClinVar variation 3513674 (VCV003513674.3).